The following is an entry in ClinVar:

NM_000535.7(PMS2):c.153C>T (p.Ala51=)

Gene: PMS2 (PMS1 homolog 2, mismatch repair system component; minus strand). Cytogenetic location: 7p22.1.
Variant type: single nucleotide variant.
Coding change: c.153C>T on transcript NM_000535.7 (MANE Select); coding-DNA position 153, C replaced by T.
Protein change: p.Ala51=; no amino-acid change (alanine 51 retained).
Molecular consequence: synonymous variant. On other transcripts: 5 prime UTR variant (8), non-coding transcript variant (1), intron variant (3).
Genome position (GRCh38, 1-based): chr7:6,005,902, G>A on the plus strand (C>T on the coding strand, the complement: PMS2 is on the minus strand). VCF-style: chr7-6005902-G-A. GRCh37 (hg19) VCF-style: chr7-6045533-G-A.
Other names: c.-253C>T (NM_001322003.2, NM_001322005.2, NM_001322009.2 and 1 more transcripts); c.153C>T, p.Ala51= (NM_001322006.2, NM_001322014.2); c.-63C>T (NM_001322007.2); c.-732C>T (NM_001322011.2, NM_001322012.2); c.-332C>T (NM_001322015.2); c.-52-1844C>T (NM_001322008.2); c.-242-1844C>T (NM_001322010.2, NM_001322004.2); c.153C>T (NM_000535.5).
Identifiers: ClinVar variation 1171714 (VCV001171714.12), dbSNP rs2128843882, ClinGen allele CA453649909.

ClinVar aggregate classification (germline): Benign/Likely benign. Review status: criteria provided, multiple submitters, no conflicts (2 of 4 stars). 4 submissions from 4 submitters: Benign (1); Likely benign (3). Last evaluated 2025-11-04.

Conditions:
Hereditary nonpolyposis colorectal neoplasms. Identifiers: MedGen C0009405, MeSH D003123.
Hereditary cancer-predisposing syndrome. Also called: Tumor predisposition; Hereditary neoplastic syndrome; Hereditary Cancer Syndrome; Neoplastic Syndromes, Hereditary. Identifiers: Orphanet 140162, MedGen C0027672, MeSH D009386, MONDO:0015356.
Lynch syndrome 4 (LYNCH4). Also called: Colorectal cancer, hereditary nonpolyposis, type 4; Hereditary non-polyposis colorectal cancer, type 4. Identifiers: Orphanet 144, MedGen C1838333, MONDO:0013699, OMIM 614337. Disease mechanism: loss of function.

Submissions (4):

Labcorp Genetics (formerly Invitae), Labcorp
Classification: Likely benign for Hereditary nonpolyposis colorectal neoplasms. Last evaluated: 2025-11-04. Review status: criteria provided, single submitter. Criteria: Invitae Variant Classification Sherloc (09022015). Collection method: clinical testing. Allele origin: germline.

Myriad Genetics, Inc.
Classification: Benign for Lynch syndrome 4. Last evaluated: 2025-01-23. Review status: criteria provided, single submitter. Criteria: Myriad Autosomal Dominant, Autosomal Recessive and X-Linked Classification Criteria (2023). Collection method: clinical testing. Allele origin: unknown.
Comment: This variant is considered benign. This variant is a silent/synonymous amino acid change and it is not expected to impact splicing.

Ambry Genetics
Classification: Likely benign for Hereditary cancer-predisposing syndrome. Last evaluated: 2024-12-15. Review status: criteria provided, single submitter. Criteria: Ambry Variant Classification Scheme 2023. Collection method: clinical testing. Allele origin: germline.

Color Diagnostics, LLC DBA Color Health
Classification: Likely benign for Hereditary cancer-predisposing syndrome. Last evaluated: 2021-02-13. Review status: criteria provided, single submitter. Criteria: ACMG Guidelines, 2015. Collection method: clinical testing. Allele origin: germline.